The following is an entry in ClinVar:

NM_001037333.3(CYFIP2):c.1151A>G (p.Glu384Gly)

Gene: CYFIP2 (cytoplasmic FMR1 interacting protein 2; plus strand). Cytogenetic location: 5q33.3.
Variant type: single nucleotide variant.
Coding change: c.1151A>G on transcript NM_001037333.3 (MANE Select); coding-DNA position 1151, A replaced by G.
Protein change: p.Glu384Gly; replaces glutamic acid 384 with glycine.
Molecular consequence: missense variant.
Genome position (GRCh38, 1-based): chr5:157,314,384, A>G. VCF-style: chr5-157314384-A-G. GRCh37 (hg19) VCF-style: chr5-156741392-A-G.
Other names: c.1073A>G, p.Glu358Gly (NM_001291721.2); c.1151A>G, p.Glu384Gly (NM_001291722.2, NM_014376.4); short protein forms E358G, E384G.
Identifiers: ClinVar variation 3603516 (VCV003603516.2).

ClinVar aggregate classification (germline): Uncertain significance (1 of 4 stars; one submission).

Submission:

Labcorp Genetics (formerly Invitae), Labcorp
Classification: Uncertain significance. Last evaluated: 2024-07-11. Review status: criteria provided, single submitter. Criteria: Invitae Variant Classification Sherloc (09022015). Collection method: clinical testing. Allele origin: germline.
Comment: This sequence change replaces glutamic acid, which is acidic and polar, with glycine, which is neutral and non-polar, at codon 384 of the CYFIP2 protein (p.Glu384Gly). This variant is not present in population databases (gnomAD no frequency). This variant has not been reported in the literature in individuals affected with CYFIP2-related conditions. Experimental studies and prediction algorithms are not available or were not evaluated, and the functional significance of this variant is currently unknown. In summary, the available evidence is currently insufficient to determine the role of this variant in disease. Therefore, it has been classified as a Variant of Uncertain Significance.